The following is an entry in ClinVar:

ClinVar aggregate classification (germline): Likely benign (0 of 4 stars; one submission).

Conditions:
CRISPLD2-related disorder. Also called: CRISPLD2-related condition.

gnomAD v4.1: 429 of 1,614,166 alleles (0.027%); highest among the groups gnomAD compares: South Asian, 0.37%; 6 homozygotes.

Submission:

PreventionGenetics, part of Exact Sciences
Classification: Likely benign for CRISPLD2-related condition. Last evaluated: 2024-03-27. Review status: no assertion criteria provided. Collection method: clinical testing. Allele origin: germline.
Comment: This variant is classified as likely benign based on ACMG/AMP sequence variant interpretation guidelines (Richards et al. 2015 PMID: 25741868, with internal and published modifications).

NM_031476.4(CRISPLD2):c.1315A>G (p.Ile439Val)

Gene: CRISPLD2 (cysteine rich secretory protein LCCL domain containing 2; plus strand). Cytogenetic location: 16q24.1.
Variant type: single nucleotide variant.
Coding change: c.1315A>G on transcript NM_031476.4 (MANE Select); coding-DNA position 1315, A replaced by G.
Protein change: p.Ile439Val; replaces isoleucine 439 with valine.
Molecular consequence: missense variant.
Genome position (GRCh38, 1-based): chr16:84,889,239, A>G. VCF-style: chr16-84889239-A-G. GRCh37 (hg19) VCF-style: chr16-84922845-A-G.
Other names: short protein forms I439V.
Identifiers: ClinVar variation 3352712 (VCV003352712.1).